The following is an entry in ClinVar:

ClinVar aggregate classification (germline): Uncertain significance (1 of 4 stars; one submission).

Submission:

Women's Health and Genetics/Laboratory Corporation of America, LabCorp
Classification: Uncertain significance. Last evaluated: 2024-02-29. Review status: criteria provided, single submitter. Criteria: LabCorp Variant Classification Summary - May 2015. Collection method: clinical testing. Allele origin: germline.
Comment: Variant summary: The variant involves the deletion of exons 1-7 of the SHPK gene. A presumed nomenclature of c.(?_-32)_(*2321_?)del has been designated for the purposes of this classification. This deletion includes the entire coding sequence of the gene. As the exact proximal and distal breakpoints are unknown, it may extend beyond the annotated region of the gene to include other flanking genes. A ~57-kb deletion that encompasses the SHPK gene and a large part of the CTNS gene was found at a frequency of 0.00075 in 120780 control chromosomes, predominantly at a frequency of 0.0013 within the Non-Finnish European subpopulation in the gnomAD database (Structural Variants v4.0 dataset). A 57-kb deletion (originally reported as a 65-kb deletion), which includes the entire SHPK gene together with a large part of the CTNS gene has been reported in the literature in numerous cystinosis patients (e.g. PMIDs 10068513, 10673275), and patients homozygous for this deletion (that also includes the SHPK gene) had increased urinary sedoheptulose and erythritol compared to patients with other CTNS mutations (Wamelink_2008). Enzyme studies of fibroblasts derived from these homozygous patients revealed an 80% reduction in sedoheptulose phosphorylating activity compared to cystinosis patients with other mutations and controls, however other phenotypic consequences of this deficiency were unclear (Wamelink_2008). These reports suggest that the variant results in decreased sedoheptulokinase activity, however current evidence is not sufficient to establish whether this a biochemical phenotype is associated with any disease or risk. No submitters have cited clinical-significance assessments for this variant to ClinVar. Based on the evidence outlined above, the variant was classified as uncertain significance.

Literature cited by the submitters: PubMed 18186520.

NC_000017.10:g.(?_3511533)_(3539545_?)del

Genes: SHPK (sedoheptulokinase; minus strand), TRPV1 (transient receptor potential cation channel subfamily V member 1; minus strand). Cytogenetic location: 17p13.2.
Variant type: Deletion.
Identifiers: ClinVar variation 3069077 (VCV003069077.1).